The following is an entry in ClinVar:

ClinVar aggregate classification (germline): Pathogenic (1 of 4 stars; one submission).

Conditions:
Ectodermal dysplasia 10A, hypohidrotic/hair/nail type, autosomal dominant (ECTD10A). Also called: Ectodermal Dysplasia 3, Anhidrotic. Identifiers: Orphanet 1810, Orphanet 238468, MedGen C3888065, MONDO:0007509, OMIM 129490.
Autosomal recessive hypohidrotic ectodermal dysplasia syndrome. Also called: Autosomal recessive hypohidrotic ectodermal dysplasia. Identifiers: Orphanet 248, MedGen C0406702, MONDO:0016619.

Submission:

Labcorp Genetics (formerly Invitae), Labcorp
Classification: Pathogenic for Ectodermal dysplasia 10A, hypohidrotic/hair/nail type, autosomal dominant; Autosomal recessive hypohidrotic ectodermal dysplasia syndrome. Last evaluated: 2021-07-15. Review status: criteria provided, single submitter. Criteria: Invitae Variant Classification Sherloc (09022015). Collection method: clinical testing. Allele origin: germline.
Comment: This variant has not been reported in the literature in individuals affected with EDAR-related conditions. For these reasons, this variant has been classified as Pathogenic. This variant disrupts a region of the EDAR protein in which other variant(s) (p.Ile388Thr) have been determined to be pathogenic (PMID: 21771270). This suggests that this is a clinically significant region of the protein, and that variants that disrupt it are likely to be disease-causing. This variant is not present in population databases (ExAC no frequency). This sequence change creates a premature translational stop signal (p.Asp386Glufs*3) in the EDAR gene. While this is not anticipated to result in nonsense mediated decay, it is expected to disrupt the last 63 amino acid(s) of the EDAR protein.

Literature cited by the submitters: PubMed 21771270.

NM_022336.4(EDAR):c.1151_1154dup (p.Asp386fs)

Genes: RANBP2 (RAN binding protein 2; plus strand), EDAR (ectodysplasin A receptor; minus strand). Cytogenetic location: 2q13.
Variant type: Microsatellite.
Coding change: c.1151_1154dup on transcript NM_022336.4 (MANE Select); coding-DNA positions 1151 to 1154, 4 bases duplicated (AGAG; older notation c.1151_1154dupAGAG).
Protein change: p.Asp386fs; shifts the reading frame from aspartic acid 386.
Molecular consequence: frameshift variant.
Genome position (GRCh38, 1-based): chr2:108,897,100-108,897,103, CTCT duplicated on the plus strand (AGAG on the coding strand, the reverse complement: EDAR is on the minus strand). VCF-style (leftmost placement, unchanged base first): chr2-108897099-C-CCTCT. GRCh37 (hg19) VCF-style: chr2-109513555-C-CCTCT.
Other names: short protein forms D386fs.
Identifiers: ClinVar variation 1401027 (VCV001401027.6), dbSNP rs2105371643, ClinGen allele CA2580611685.